The following is an entry in ClinVar:

NM_004444.5(EPHB4):c.17T>A (p.Leu6Gln)

Genes: EPHB4 (EPH receptor B4; minus strand), SLC12A9 (solute carrier family 12 member 9; plus strand). Cytogenetic location: 7q22.1.
Variant type: single nucleotide variant.
Coding change: c.17T>A on transcript NM_004444.5 (MANE Select); coding-DNA position 17, T replaced by A.
Protein change: p.Leu6Gln; replaces leucine 6 with glutamine.
Molecular consequence: missense variant. On other transcripts: 5 prime UTR variant (1).
Genome position (GRCh38, 1-based): chr7:100,827,014, A>T on the plus strand (T>A on the coding strand, the complement: EPHB4 is on the minus strand). VCF-style: chr7-100827014-A-T. GRCh37 (hg19) VCF-style: chr7-100424636-A-T.
Other names: c.-15A>T (NM_001363494.1); short protein forms L6Q.
Identifiers: ClinVar variation 2841784 (VCV002841784.3), dbSNP rs2485063254, ClinGen allele CA368585858.

ClinVar aggregate classification (germline): Uncertain significance (1 of 4 stars; one submission).

Submission:

Labcorp Genetics (formerly Invitae), Labcorp
Classification: Uncertain significance. Last evaluated: 2023-08-01. Review status: criteria provided, single submitter. Criteria: Invitae Variant Classification Sherloc (09022015). Collection method: clinical testing. Allele origin: germline.
Comment: In summary, the available evidence is currently insufficient to determine the role of this variant in disease. Therefore, it has been classified as a Variant of Uncertain Significance. An algorithm developed to predict the effect of missense changes on protein structure and function (PolyPhen-2) suggests that this variant is likely to be disruptive. This variant has not been reported in the literature in individuals affected with EPHB4-related conditions. This variant is not present in population databases (gnomAD no frequency). This sequence change replaces leucine, which is neutral and non-polar, with glutamine, which is neutral and polar, at codon 6 of the EPHB4 protein (p.Leu6Gln).